The following is an entry in ClinVar:

ClinVar aggregate classification (germline): Uncertain significance (1 of 4 stars; one submission).

Allele frequency attached by ClinVar (database versions not stated): gnomAD 0.00001; gnomAD exomes 0.00002.
gnomAD v4.1: 18 of 1,205,872 alleles (0.0015%); highest among the groups gnomAD compares: Admixed American, 0.0022%; no homozygotes.

Submission:

GeneDx
Classification: Uncertain significance. Last evaluated: 2016-11-22. Review status: criteria provided, single submitter. Criteria: GeneDx Variant Classification (06012015). Collection method: clinical testing. Allele origin: germline. Affected: yes.
Comment: The N229D variant in the CUL4B gene has not been reported previously as a pathogenic variant, nor as a benign variant, to our knowledge. The N229D variant was not observed in approximately 6500 individuals of European and African American ancestry in the NHLBI Exome Sequencing Project, indicating it is not a common benign variant in these populations. The N229D variant is a semi-conservative amino acid substitution, which may impact secondary protein structure as these residues differ in some properties. This substitution occurs at a position that is conserved across species. In silico analysis is inconsistent in its predictions as to whether or not the variant is damaging to the protein structure/function. We interpret N229D as a variant of uncertain significance.

NM_001079872.2(CUL4B):c.631A>G (p.Asn211Asp)

Gene: CUL4B (cullin 4B; minus strand). Cytogenetic location: Xq24.
Variant type: single nucleotide variant.
Coding change: c.631A>G on transcript NM_001079872.2 (MANE Select); coding-DNA position 631, A replaced by G.
Protein change: p.Asn211Asp; replaces asparagine 211 with aspartic acid.
Molecular consequence: missense variant.
Genome position (GRCh38, 1-based): chrX:120,557,965, T>C on the plus strand (A>G on the coding strand, the complement: CUL4B is on the minus strand). VCF-style: chrX-120557965-T-C. GRCh37 (hg19) VCF-style: chrX-119691820-T-C.
Other names: c.646A>G, p.Asn216Asp (NM_001330624.2); c.97A>G, p.Asn33Asp (NM_001369145.1); c.685A>G, p.Asn229Asp (NM_003588.4); short protein forms N229D, N33D, N211D, N216D.
Identifiers: ClinVar variation 373105 (VCV000373105.1), dbSNP rs1057518220, ClinGen allele CA16043171.